The following is an entry in ClinVar:

NM_173598.6(KSR2):c.2005G>A (p.Gly669Ser)

Gene: KSR2 (kinase suppressor of ras 2; minus strand). Cytogenetic location: 12q24.22.
Variant type: single nucleotide variant.
Coding change: c.2005G>A on transcript NM_173598.6 (MANE Select); coding-DNA position 2005, G replaced by A.
Protein change: p.Gly669Ser; replaces glycine 669 with serine.
Molecular consequence: missense variant.
Genome position (GRCh38, 1-based): chr12:117,525,066, C>T on the plus strand (G>A on the coding strand, the complement: KSR2 is on the minus strand). VCF-style: chr12-117525066-C-T. GRCh37 (hg19) VCF-style: chr12-117962871-C-T.
Other names: short protein forms G669S.
Identifiers: ClinVar variation 2628897 (VCV002628897.1), dbSNP rs771324043, ClinGen allele CA6815832.

ClinVar aggregate classification (germline): Uncertain significance (1 of 4 stars; one submission).

Conditions:
KSR2-related disorder. Also called: KSR2-related condition.

Allele frequency attached by ClinVar (database versions not stated): gnomAD 0.00001; ExAC 0.00002; gnomAD exomes 0.00002; TOPMed 0.00003.
gnomAD v4.1: 37 of 1,613,850 alleles (0.0023%); highest among the groups gnomAD compares: East Asian, 0.0045%; no homozygotes.

Submission:

PreventionGenetics, part of Exact Sciences
Classification: Uncertain significance for KSR2-related condition. Last evaluated: 2023-08-10. Review status: criteria provided, single submitter. Criteria: ACMG Guidelines, 2015. Collection method: clinical testing. Allele origin: germline.
Comment: The KSR2 c.1918G>A variant is predicted to result in the amino acid substitution p.Gly640Ser. To our knowledge, this variant has not been reported in the literature. This variant is reported in 0.0065% of alleles in individuals of South Asian descent in gnomAD. At this time, the clinical significance of this variant is uncertain due to the absence of conclusive functional and genetic evidence.